The following is an entry in ClinVar:

NM_019842.4(KCNQ5):c.2535A>G (p.Gln845=)

Gene: KCNQ5 (potassium voltage-gated channel subfamily Q member 5; plus strand). Cytogenetic location: 6q13.
Variant type: single nucleotide variant.
Coding change: c.2535A>G on transcript NM_019842.4 (MANE Select); coding-DNA position 2535, A replaced by G.
Protein change: p.Gln845=; no amino-acid change (glutamine 845 retained).
Molecular consequence: synonymous variant.
Genome position (GRCh38, 1-based): chr6:73,195,150, A>G. VCF-style: chr6-73195150-A-G. GRCh37 (hg19) VCF-style: chr6-73904873-A-G.
Other names: c.2508A>G, p.Gln836= (NM_001160130.2); c.2565A>G, p.Gln855= (NM_001160132.2); c.2592A>G, p.Gln864= (NM_001160133.2); c.2205A>G, p.Gln735= (NM_001160134.2).
Identifiers: ClinVar variation 1909786 (VCV001909786.6), dbSNP rs1765742078, ClinGen allele CA451109890.

ClinVar aggregate classification (germline): Likely benign. Review status: criteria provided, multiple submitters, no conflicts (2 of 4 stars). 2 submissions from 2 submitters: Likely benign (2). Last evaluated 2026-07-01.

Allele frequency attached by ClinVar (database versions not stated): gnomAD exomes below 0.00001; TOPMed 0.00001.
gnomAD v4.1: 3 of 1,614,062 alleles (0.00019%); highest among the groups gnomAD compares: Admixed American, 0.0017%; no homozygotes.

Submissions (2):

CeGaT Center for Human Genetics Tuebingen
Classification: Likely benign. Last evaluated: 2026-07-01. Review status: criteria provided, single submitter. Criteria: CeGaT Center For Human Genetics Tuebingen Variant Classification Criteria Version 2. Collection method: clinical testing. Allele origin: germline. Affected: yes. Observed: 1 variant allele.
Comment: KCNQ5: BP4

Labcorp Genetics (formerly Invitae), Labcorp
Classification: Likely benign. Last evaluated: 2024-10-24. Review status: criteria provided, single submitter. Criteria: Invitae Variant Classification Sherloc (09022015). Collection method: clinical testing. Allele origin: germline.